The following is an entry in ClinVar:

NM_005591.4(MRE11):c.76_77del (p.Met26fs)

Gene: MRE11 (MRE11 double strand break repair nuclease; minus strand). Cytogenetic location: 11q21.
Variant type: Deletion.
Coding change: c.76_77del on transcript NM_005591.4 (MANE Select); coding-DNA positions 76 to 77, 2 bases deleted (AT; older notation c.76_77delAT).
Protein change: p.Met26fs; shifts the reading frame from methionine 26.
Molecular consequence: frameshift variant.
Genome position (GRCh38, 1-based): chr11:94,490,909-94,490,910, AT deleted on the plus strand (AT on the coding strand, the reverse complement: MRE11 is on the minus strand); deleting any 2 consecutive bases within chr11:94,490,909-94,490,911 gives the same sequence; the c. name uses the placement nearest the transcript's 3' end. VCF-style (leftmost placement, unchanged base first): chr11-94490908-CAT-C. GRCh37 (hg19) VCF-style: chr11-94224074-CAT-C.
Other names: c.76_77del, p.Met26fs (NM_001330347.2, NM_005590.4); short protein forms M26fs.
Identifiers: ClinVar variation 2857372 (VCV002857372.3), dbSNP rs2496653343, ClinGen allele CA2739270762.
Genomic context (GRCh38, chr11:94,490,908, plus strand): 5'-AAGTCTTAAAATTTCATCGAGTGTTACAAACGTATCATTTCCTCTGACTGCATCTTTCTC[CAT>C]AAATCCAAGATGAATATCTGTTGCAACTAATATTTTAAATGTGTTTTCATCATCACTATA-3'

ClinVar aggregate classification (germline): Pathogenic (1 of 4 stars; one submission).

Conditions:
Ataxia-telangiectasia-like disorder (ATLD). Identifiers: MedGen C1858391, MONDO:0011457.

Submission:

Labcorp Genetics (formerly Invitae), Labcorp
Classification: Pathogenic for Ataxia-telangiectasia-like disorder. Last evaluated: 2023-04-18. Review status: criteria provided, single submitter. Criteria: Invitae Variant Classification Sherloc (09022015). Collection method: clinical testing. Allele origin: germline.
Comment: For these reasons, this variant has been classified as Pathogenic. This variant has not been reported in the literature in individuals affected with MRE11-related conditions. This variant is not present in population databases (gnomAD no frequency). This sequence change creates a premature translational stop signal (p.Met26Glyfs*9) in the MRE11 gene. It is expected to result in an absent or disrupted protein product. Loss-of-function variants in MRE11 are known to be pathogenic (PMID: 23080121, 23912341).

Literature cited by the submitters: PubMed 23080121; PubMed 23912341.